The following is an entry in ClinVar:

ClinVar aggregate classification (germline): Likely benign (1 of 4 stars; one submission).

Submission:

CeGaT Center for Human Genetics Tuebingen
Classification: Likely benign. Last evaluated: 2026-04-01. Review status: criteria provided, single submitter. Criteria: CeGaT Center For Human Genetics Tuebingen Variant Classification Criteria Version 2. Collection method: clinical testing. Allele origin: germline. Affected: yes. Observed: 1 variant allele.
Comment: TLK2: BP4, BS2

NM_006852.6(TLK2):c.-25GGC[7]

Genes: TLK2 (tousled like kinase 2; plus strand), LOC130061370 (ATAC-STARR-seq lymphoblastoid silent region 8808; plus strand). Cytogenetic location: 17q23.2.
Variant type: Microsatellite.
Coding change: c.-25GGC[7] on transcript NM_006852.6 (MANE Select); seven copies in a row of the 3-base unit GGC starting at c.-25; the reference has six copies in a row; one copy, 3 bases duplicated.
Molecular consequence: 5 prime UTR variant. On other transcripts: intron variant (2).
Genome position (GRCh38, 1-based): chr17:62,479,286-62,479,288, GGC duplicated; duplicating any 3 consecutive bases within chr17:62,479,269-62,479,288 gives the same sequence; the position shown is the placement nearest the transcript's 3' end. VCF-style (leftmost placement, unchanged base first): chr17-62479268-A-AGCG. GRCh37 (hg19) VCF-style: chr17-60556629-A-AGCG.
Other names: c.-22GGC[7] (NM_001284333.3, NM_001375270.1, NM_001375272.1 and 1 more transcripts); c.-522GGC[7] (NM_001330418.3); c.-519GGC[7] (NM_001375273.1); c.-25GGC[7] (NM_001438203.1, NM_001438205.1); c.-3+1188GCG[7] (NM_001375271.1, NM_001438204.1).
Identifiers: ClinVar variation 4871914 (VCV004871914.2).
Genomic context (GRCh38, chr17:62,479,268, plus strand): 5'-GGGGAGAGCGGAGCGGTCCGCAGCCGGGTCGGGTCGGGGCCCCTCCCGGGAGGAGCGTGG[A>AGCG]GCGGCGGCGGCGGCGGCGGCAGGTGAGAGGCTGAGCCCCGGGCGGGGGAGGACTCCAGGC-3'